The following is an entry in ClinVar:

NM_004006.3(DMD):c.2278_2292+101delinsTGATAAA

Gene: DMD (dystrophin; minus strand). Cytogenetic location: Xp21.1.
Variant type: Indel.
Coding change: c.2278_2292+101delinsTGATAAA on transcript NM_004006.3 (MANE Select); coding-DNA position 2278 through 101 bases into the intron after coding-DNA position 2292, the reference bases replaced by TGATAAA.
Molecular consequence: splice donor variant.
Genome position (GRCh38, 1-based): chrX:32,517,907-32,518,022, 116 bases replaced. GRCh37 (hg19): chrX:32,536,024-32,536,139.
Other names: c.2254_2268+101delinsTGATAAA (NM_000109.4); c.2266_2280+101delinsTGATAAA (NM_004009.3); c.1909_1923+101delinsTGATAAA (NM_004010.3).
Identifiers: ClinVar variation 1806407 (VCV001806407.1), dbSNP rs2525541080, ClinGen allele CA2580100687.

ClinVar aggregate classification (germline): Likely pathogenic (1 of 4 stars; one submission).

Conditions:
Duchenne muscular dystrophy (DMD). Also called: MUSCULAR DYSTROPHY, PSEUDOHYPERTROPHIC PROGRESSIVE, DUCHENNE TYPE; Duchenne Muscular Dystrophy (DMD). Identifiers: Orphanet 98896, MedGen C0013264, MONDO:0010679, OMIM 310200.

Submission:

Laboratory of Medical Genetics, National & Kapodistrian University of Athens
Classification: Likely pathogenic for Duchenne muscular dystrophy. Last evaluated: 2022-12-16. Review status: criteria provided, single submitter. Criteria: ACMG Guidelines, 2015. Collection method: clinical testing. Allele origin: germline. Affected: yes.
Comment: PVS1,PM2